The following is an entry in ClinVar:

ClinVar aggregate classification (germline): Uncertain significance (1 of 4 stars; one submission).

Submission:

Labcorp Genetics (formerly Invitae), Labcorp
Classification: Uncertain significance. Last evaluated: 2021-12-22. Review status: criteria provided, single submitter. Criteria: Invitae Variant Classification Sherloc (09022015). Collection method: clinical testing. Allele origin: germline.
Comment: Algorithms developed to predict the effect of sequence changes on RNA splicing suggest that this variant may create or strengthen a splice site. In summary, the available evidence is currently insufficient to determine the role of this variant in disease. Therefore, it has been classified as a Variant of Uncertain Significance. This variant has not been reported in the literature in individuals affected with EXTL3-related conditions. This variant is not present in population databases (gnomAD no frequency). This variant, c.132_133insAAG, results in the insertion of 1 amino acid(s) of the EXTL3 protein (p.Pro44_Leu45insLys), but otherwise preserves the integrity of the reading frame.

NM_001440.4(EXTL3):c.132_133insAAG (p.Pro44_Leu45insLys)

Gene: EXTL3 (exostosin like glycosyltransferase 3; plus strand). Cytogenetic location: 8p21.1.
Variant type: Insertion.
Coding change: c.132_133insAAG on transcript NM_001440.4 (MANE Select); coding-DNA positions 132 to 133, AAG inserted.
Protein change: p.Pro44_Leu45insLys.
Molecular consequence: inframe insertion.
Genome position: GRCh38 VCF-style: chr8-28716190-C-CGAA. GRCh37 (hg19) VCF-style: chr8-28573707-C-CGAA.
Identifiers: ClinVar variation 2052631 (VCV002052631.4), dbSNP rs2486617646, ClinGen allele CA2580078095.